The following is an entry in ClinVar:

NM_001256627.2(BRSK2):c.1288-2A>G

Gene: BRSK2 (BR serine/threonine kinase 2; plus strand). Cytogenetic location: 11p15.5.
Variant type: single nucleotide variant.
Coding change: c.1288-2A>G on transcript NM_001256627.2 (MANE Select); the canonical splice acceptor site of the intron before coding-DNA position 1288, A replaced by G.
Molecular consequence: splice acceptor variant. On other transcripts: missense variant (2).
Genome position (GRCh38, 1-based): chr11:1,450,585, A>G. VCF-style: chr11-1450585-A-G. GRCh37 (hg19) VCF-style: chr11-1471815-A-G.
Other names: c.1718A>G, p.Gln573Arg (NM_001440665.1); c.1652A>G, p.Gln551Arg (NM_001440666.1); c.1354-2A>G (NM_001440668.1, NM_001440670.1); c.1288-2A>G (NM_001256629.2, NM_003957.4); c.1108-2A>G (NM_001440674.1, NM_001440669.1, NM_001440673.1 and 3 more transcripts); c.1174-2A>G (NM_001440671.1, NM_001440672.1); c.1426-2A>G (NM_001256630.1, NM_001440667.1); short protein forms Q551R, Q573R.
Identifiers: ClinVar variation 4849537 (VCV004849537.1).

ClinVar aggregate classification (germline): Pathogenic (1 of 4 stars; one submission).

Conditions:
Autosomal dominant non-syndromic intellectual disability. Identifiers: Orphanet 178469, MedGen C5680502, MONDO:0015802.

Submission:

Department of Human Genetics, University Hospital Bern, Inselspital
Classification: Pathogenic for Autosomal dominant non-syndromic intellectual disability. Last evaluated: 2026-05-03. Review status: criteria provided, single submitter. Criteria: ACMG Guidelines, 2015. Collection method: clinical testing. Allele origin: inherited. Affected: yes.
Comment: The variant affects a canonical splice site most likely leading to the loss of a splice acceptor site and skipping of exon 14, subsequently resulting in a frameshift. In summary, criteria PVS1, PM2_Supporting and PP1_Supporting were used.

Literature cited by the submitters: PubMed 42509346.